The following is an entry in ClinVar:

ClinVar aggregate classification (germline): Uncertain significance (1 of 4 stars; one submission).

Conditions:
FG syndrome (FGS). Identifiers: MedGen C0220769, MONDO:0002010.

Submission:

Labcorp Genetics (formerly Invitae), Labcorp
Classification: Uncertain significance for FG syndrome. Last evaluated: 2023-12-28. Review status: criteria provided, single submitter. Criteria: Invitae Variant Classification Sherloc (09022015). Collection method: clinical testing. Allele origin: germline.
Comment: This sequence change replaces arginine, which is basic and polar, with histidine, which is basic and polar, at codon 768 of the MED12 protein (p.Arg768His). This variant is not present in population databases (gnomAD no frequency). This variant has not been reported in the literature in individuals affected with MED12-related conditions. Advanced modeling of protein sequence and biophysical properties (such as structural, functional, and spatial information, amino acid conservation, physicochemical variation, residue mobility, and thermodynamic stability) performed at Invitae indicates that this missense variant is expected to disrupt MED12 protein function with a positive predictive value of 95%. In summary, the available evidence is currently insufficient to determine the role of this variant in disease. Therefore, it has been classified as a Variant of Uncertain Significance.

NM_005120.3(MED12):c.2303G>A (p.Arg768His)

Gene: MED12 (mediator complex subunit 12; plus strand). Cytogenetic location: Xq13.1.
Variant type: single nucleotide variant.
Coding change: c.2303G>A on transcript NM_005120.3 (MANE Select); coding-DNA position 2303, G replaced by A.
Protein change: p.Arg768His; replaces arginine 768 with histidine.
Molecular consequence: missense variant.
Genome position (GRCh38, 1-based): chrX:71,125,427, G>A. VCF-style: chrX-71125427-G-A. GRCh37 (hg19) VCF-style: chrX-70345277-G-A.
Other names: short protein forms R768H.
Identifiers: ClinVar variation 2985321 (VCV002985321.3), dbSNP rs1482172384, ClinGen allele CA413511964.